The following is an entry in ClinVar:

NM_147127.5(EVC2):c.1929G>C (p.Glu643Asp)

Gene: EVC2 (EvC ciliary complex subunit 2; minus strand). Cytogenetic location: 4p16.2.
Variant type: single nucleotide variant.
Coding change: c.1929G>C on transcript NM_147127.5 (MANE Select); coding-DNA position 1929, G replaced by C.
Protein change: p.Glu643Asp; replaces glutamic acid 643 with aspartic acid.
Molecular consequence: missense variant.
Genome position (GRCh38, 1-based): chr4:5,625,866, C>G on the plus strand (G>C on the coding strand, the complement: EVC2 is on the minus strand). VCF-style: chr4-5625866-C-G. GRCh37 (hg19) VCF-style: chr4-5627593-C-G.
Other names: c.1929G>C (NM_147127.4); c.1689G>C, p.Glu563Asp (NM_001166136.2); short protein forms E563D, E643D.
Identifiers: ClinVar variation 2045495 (VCV002045495.4), dbSNP rs151063193, ClinGen allele CA2834879.

ClinVar aggregate classification (germline): Uncertain significance. Review status: criteria provided, multiple submitters, no conflicts (2 of 4 stars). 3 submissions from 3 submitters: Uncertain significance (3). Last evaluated 2024-07-07.

Conditions:
Inborn genetic diseases. Identifiers: MedGen C0950123, MeSH D030342.
Ellis-van Creveld syndrome (EVC). Also called: MESOECTODERMAL DYSPLASIA; EVC-Related Ellis-van Creveld Syndrome; EVC2-Related Ellis-van Creveld Syndrome; Chondroectodermal dysplasia. Identifiers: Orphanet 289, MedGen C0013903, MONDO:0009162, OMIM 225500.
Curry-Hall syndrome (WAD). Also called: WEYERS ACRODENTAL DYSOSTOSIS. Identifiers: Orphanet 952, MedGen C0457013, MONDO:0008673, OMIM 193530.

Allele frequency attached by ClinVar (database versions not stated): ExAC 0.00009; gnomAD 0.00016; 1000 Genomes Project 0.00020; ESP Exome Variant Server 0.00023; TOPMed 0.00023; 1000 Genomes Project 30x 0.00031.
gnomAD v4.1: 60 of 1,614,102 alleles (0.0037%); highest among the groups gnomAD compares: African/African-American, 0.065%; no homozygotes.

Submissions (3):

Ambry Genetics
Classification: Uncertain significance for Inborn genetic diseases. Last evaluated: 2024-07-07. Review status: criteria provided, single submitter. Criteria: Ambry Variant Classification Scheme 2023. Collection method: clinical testing. Allele origin: germline.

Labcorp Genetics (formerly Invitae), Labcorp
Classification: Uncertain significance for Curry-Hall syndrome; Ellis-van Creveld syndrome. Last evaluated: 2024-07-02. Review status: criteria provided, single submitter. Criteria: Invitae Variant Classification Sherloc (09022015). Collection method: clinical testing. Allele origin: germline.
Comment: This sequence change replaces glutamic acid, which is acidic and polar, with aspartic acid, which is acidic and polar, at codon 643 of the EVC2 protein (p.Glu643Asp). This variant is present in population databases (rs151063193, gnomAD 0.07%). This variant has not been reported in the literature in individuals affected with EVC2-related conditions. ClinVar contains an entry for this variant (Variation ID: 2045495). An algorithm developed to predict the effect of missense changes on protein structure and function (PolyPhen-2) suggests that this variant is likely to be disruptive. In summary, the available evidence is currently insufficient to determine the role of this variant in disease. Therefore, it has been classified as a Variant of Uncertain Significance.

Fulgent Genetics
Classification: Uncertain significance for Curry-Hall syndrome; Ellis-van Creveld syndrome. Last evaluated: 2024-02-01. Review status: criteria provided, single submitter. Criteria: ACMG Guidelines, 2015. Collection method: clinical testing. Allele origin: germline.